The following is an entry in ClinVar:

NM_004656.4(BAP1):c.299T>C (p.Leu100Pro)

Gene: BAP1 (BRCA1 associated deubiquitinase 1; minus strand). Cytogenetic location: 3p21.1.
Variant type: single nucleotide variant.
Coding change: c.299T>C on transcript NM_004656.4 (MANE Select); coding-DNA position 299, T replaced by C.
Protein change: p.Leu100Pro; replaces leucine 100 with proline.
Molecular consequence: missense variant.
Genome position (GRCh38, 1-based): chr3:52,408,034, A>G on the plus strand (T>C on the coding strand, the complement: BAP1 is on the minus strand). VCF-style: chr3-52408034-A-G. GRCh37 (hg19) VCF-style: chr3-52442050-A-G.
Other names: short protein forms L100P.
Identifiers: ClinVar variation 1013761 (VCV001013761.7), dbSNP rs1705221848, ClinGen allele CA353112399.
Genomic context (GRCh38, chr3:52,408,034, plus strand): 5'-TTGGTGAAGTCCTTCATGCGACTCAGGGTGGGTCCCAGGTCCACGCTGCTGCAGTTCAGG[A>G]GCACGCTCAGCAAGGCATGAGTTGCACAAGAGTTGGGTATCAGCTGTGAAACCAAGAATA-3'
Protein context (NP_004647.1, residues 90-110): SCATHALLSV[Leu100Pro]LNCSSVDLGP

ClinVar aggregate classification (germline): Conflicting classifications of pathogenicity. Review status: criteria provided, conflicting classifications (1 of 4 stars). 3 submissions from 3 submitters: Likely pathogenic (2); Uncertain significance (1). Last evaluated 2025-10-09.

Conditions:
BAP1-related tumor predisposition syndrome (TPDS1). Also called: BAP1 tumor predisposition syndrome; Tumor susceptibility linked to germline BAP1 mutations; COMMON Syndrome; TUMOR PREDISPOSITION SYNDROME 1. Identifiers: Orphanet 289539, MedGen C3280492, MONDO:0013692, OMIM 614327.
BAP1-related disorder. Also called: BAP1-related condition.

Submissions (3):

Labcorp Genetics (formerly Invitae), Labcorp
Classification: Uncertain significance for BAP1-related tumor predisposition syndrome. Last evaluated: 2025-10-09. Review status: criteria provided, single submitter. Criteria: Invitae Variant Classification Sherloc (09022015). Collection method: clinical testing. Allele origin: germline.
Comment: This sequence change replaces leucine, which is neutral and non-polar, with proline, which is neutral and non-polar, at codon 100 of the BAP1 protein (p.Leu100Pro). This variant is not present in population databases (gnomAD no frequency). This missense change has been observed in individual(s) with BAP1-related cancer(s) (PMID: 24187051, 33240524). ClinVar contains an entry for this variant (Variation ID: 1013761). Invitae Evidence Modeling of protein sequence and biophysical properties (such as structural, functional, and spatial information, amino acid conservation, physicochemical variation, residue mobility, and thermodynamic stability) indicates that this missense variant is expected to disrupt BAP1 protein function with a positive predictive value of 80%. Experimental studies are conflicting or provide insufficient evidence to determine the effect of this variant on BAP1 function (PMID: 33240524). In summary, the available evidence is currently insufficient to determine the role of this variant in disease. Therefore, it has been classified as a Variant of Uncertain Significance.

Department of Pathology and Laboratory Medicine, Sinai Health System
Classification: Likely pathogenic for BAP1-related tumor predisposition syndrome. Last evaluated: 2023-09-14. Review status: criteria provided, single submitter. Criteria: ACMG Guidelines, 2015. Collection method: clinical testing. Allele origin: germline. Affected: no.

Blueprint Genetics
Classification: Likely pathogenic for BAP1-related disorders. Last evaluated: 2017-09-19. Review status: criteria provided, single submitter. Criteria: ACMG Guidelines, 2015. Collection method: clinical testing. Allele origin: germline. Affected: yes. Observed: 1 variant allele.

Literature cited by the submitters: PubMed 24187051 (cited by Labcorp Genetics (formerly Invitae), Labcorp and Department of Pathology and Laboratory Medicine, Sinai Health System); PubMed 33240524 (cited by Labcorp Genetics (formerly Invitae), Labcorp and Department of Pathology and Laboratory Medicine, Sinai Health System).